The following is an entry in ClinVar:

ClinVar aggregate classification (germline): Uncertain significance (1 of 4 stars; one submission).

Allele frequency attached by ClinVar (database versions not stated): gnomAD exomes below 0.00001; ExAC 0.00001.

Submission:

Labcorp Genetics (formerly Invitae), Labcorp
Classification: Uncertain significance. Last evaluated: 2022-03-10. Review status: criteria provided, single submitter. Criteria: Invitae Variant Classification Sherloc (09022015). Collection method: clinical testing. Allele origin: germline.
Comment: In summary, the available evidence is currently insufficient to determine the role of this variant in disease. Therefore, it has been classified as a Variant of Uncertain Significance. Algorithms developed to predict the effect of missense changes on protein structure and function output the following: SIFT: "Tolerated"; PolyPhen-2: "Not Available"; Align-GVGD: "Class C0". The threonine amino acid residue is found in multiple mammalian species, which suggests that this missense change does not adversely affect protein function. This variant has not been reported in the literature in individuals affected with PCDH15-related conditions. This variant is present in population databases (rs751609887, gnomAD 0.0009%). This sequence change replaces methionine, which is neutral and non-polar, with threonine, which is neutral and polar, at codon 1918 of the PCDH15 protein (p.Met1918Thr).

NM_033056.4(PCDH15):c.5753T>C (p.Met1918Thr)

Gene: PCDH15 (protocadherin related 15; minus strand). Cytogenetic location: 10q21.1.
Variant type: single nucleotide variant.
Coding change: c.5753T>C on transcript NM_033056.4 (MANE Plus Clinical); coding-DNA position 5753, T replaced by C.
Protein change: p.Met1918Thr; replaces methionine 1918 with threonine.
Molecular consequence: missense variant. On other transcripts: intron variant (8).
Genome position (GRCh38, 1-based): chr10:53,821,973, A>G on the plus strand (T>C on the coding strand, the complement: PCDH15 is on the minus strand). VCF-style: chr10-53821973-A-G. GRCh37 (hg19) VCF-style: chr10-55581733-A-G.
Other names: c.5774T>C, p.Met1925Thr (NM_001142763.2); c.5759T>C, p.Met1920Thr (NM_001142764.2); c.5546T>C, p.Met1849Thr (NM_001142765.2); c.5744T>C, p.Met1915Thr (NM_001142766.2); c.5633T>C, p.Met1878Thr (NM_001142767.2); c.5693T>C, p.Met1898Thr (NM_001142768.2); c.5684T>C, p.Met1895Thr (NM_001142773.2); c.5687T>C, p.Met1896Thr (NM_001354404.2); and 7 more; short protein forms M1895T, M1918T, M1920T, M1849T, M1896T, M1898T, M1915T, M1878T.
Identifiers: ClinVar variation 1490178 (VCV001490178.8), dbSNP rs751609887, ClinGen allele CA5504965.
Genomic context (GRCh38, chr10:53,821,973, plus strand): 5'-TTCAAACTCCCCTTGTTTTGTTCAGATGTGATTTCCATATTTGTTACTTCTGAAGGGCAC[A>G]TAGTTTGAAGTTCTGAAACATTTGTGCGTAGATAGTTTTTTTCTATTTGACTGTACATGT-3'
Protein context (NP_149045.3, residues 1908-1928): LRTNVSELQT[Met1918Thr]CPSEVTNMEI